The following is an entry in ClinVar:

ClinVar aggregate classification (germline): Uncertain significance. Review status: criteria provided, multiple submitters, no conflicts (2 of 4 stars). 2 submissions from 2 submitters: Uncertain significance (2). Last evaluated 2025-02-27.

Conditions:
Joubert syndrome. Also called: CEREBELLOPARENCHYMAL DISORDER IV; JOUBERT-BOLTSHAUSER SYNDROME; Familial aplasia of the vermis. Identifiers: Orphanet 475, MedGen C5979921, MONDO:0018772.
Meckel-Gruber syndrome. Also called: DYSENCEPHALIA SPLANCHNOCYSTICA; GRUBER SYNDROME; Dysencephalia splachnocystica. Identifiers: Orphanet 564, MedGen C0265215, MONDO:0018921.
Nephronophthisis. Also called: Juvenile Nephronophthisis. Identifiers: Orphanet 655, MedGen C0687120, MONDO:0019005, HP:0000090.

gnomAD v4.1: 1 of 1,579,740 alleles (0.000063%); no homozygotes.

Submissions (2):

Labcorp Genetics (formerly Invitae), Labcorp
Classification: Uncertain significance for Joubert syndrome; Meckel-Gruber syndrome; Nephronophthisis. Last evaluated: 2025-02-27. Review status: criteria provided, single submitter. Criteria: Invitae Variant Classification Sherloc (09022015). Collection method: clinical testing. Allele origin: germline.
Comment: This sequence change replaces valine, which is neutral and non-polar, with aspartic acid, which is acidic and polar, at codon 2310 of the CEP290 protein (p.Val2310Asp). This variant is not present in population databases (gnomAD no frequency). This variant has not been reported in the literature in individuals affected with CEP290-related conditions. ClinVar contains an entry for this variant (Variation ID: 1945470). An algorithm developed to predict the effect of missense changes on protein structure and function (PolyPhen-2) suggests that this variant is likely to be tolerated. In summary, the available evidence is currently insufficient to determine the role of this variant in disease. Therefore, it has been classified as a Variant of Uncertain Significance.

GeneDx
Classification: Uncertain significance. Last evaluated: 2022-12-20. Review status: criteria provided, single submitter. Criteria: GeneDx Variant Classification Process June 2021. Collection method: clinical testing. Allele origin: germline. Affected: yes.
Comment: Not observed at significant frequency in large population cohorts (gnomAD); In silico analysis supports that this missense variant does not alter protein structure/function; Has not been previously published as pathogenic or benign to our knowledge

NM_025114.4(CEP290):c.6929T>A (p.Val2310Asp)

Gene: CEP290 (centrosomal protein 290; minus strand). Cytogenetic location: 12q21.32.
Variant type: single nucleotide variant.
Coding change: c.6929T>A on transcript NM_025114.4 (MANE Select); coding-DNA position 6929, T replaced by A.
Protein change: p.Val2310Asp; replaces valine 2310 with aspartic acid.
Molecular consequence: missense variant.
Genome position (GRCh38, 1-based): chr12:88,055,607, A>T on the plus strand (T>A on the coding strand, the complement: CEP290 is on the minus strand). VCF-style: chr12-88055607-A-T. GRCh37 (hg19) VCF-style: chr12-88449384-A-T.
Other names: short protein forms V2310D.
Identifiers: ClinVar variation 1945470 (VCV001945470.6), dbSNP rs2499469478, ClinGen allele CA385976123.
Genomic context (GRCh38, chr12:88,055,607, plus strand): 5'-ATCATGTAAAGAAAAATTACGTTACTTACCTGTTGTTCAAGGTCTTCATTGTATTTGTTA[A>T]CTTTTTGTTCTCTCTCTGTTGCTTCTTTTACAAGCTGTTTAAGGTCAGTAATGCTTTGAT-3'
Protein context (NP_079390.3, residues 2300-2320): VKEATEREQK[Val2310Asp]NKYNEDLEQQ